The following is an entry in ClinVar:

ClinVar aggregate classification (germline): Conflicting classifications of pathogenicity. Review status: criteria provided, conflicting classifications (1 of 4 stars). 2 submissions from 2 submitters: Uncertain significance (1); Likely benign (1). Last evaluated 2026-01-12.

Conditions:
GSN-related disorder. Also called: GSN-related condition.

Allele frequency attached by ClinVar (database versions not stated): ExAC 0.00001; gnomAD 0.00001; TOPMed 0.00001.
gnomAD v4.1: 13 of 1,614,096 alleles (0.00081%); highest among the groups gnomAD compares: East Asian, 0.013%; 1 homozygote.

Submissions (2):

Labcorp Genetics (formerly Invitae), Labcorp
Classification: Likely benign. Last evaluated: 2026-01-12. Review status: criteria provided, single submitter. Criteria: Invitae Variant Classification Sherloc (09022015). Collection method: clinical testing. Allele origin: germline.

PreventionGenetics, part of Exact Sciences
Classification: Uncertain significance for GSN-related condition. Last evaluated: 2025-05-08. Review status: criteria provided, single submitter. Criteria: ACMG Guidelines, 2015. Collection method: clinical testing. Allele origin: germline.
Comment: The GSN c.273G>A variant is not predicted to result in an amino acid change (p.=). This variant is predicted to alter splicing based on available splicing prediction programs (SpliceAI, Jaganathan et al. 2019. PubMed ID: 30661751). However, the use of computer prediction programs is not equivalent to functional evidence. To our knowledge, this variant has not been reported in the literature. This variant is reported in 0.0050% of alleles in individuals of East Asian descent in gnomAD. At this time, the clinical significance of this variant is uncertain due to the absence of conclusive functional and genetic evidence.

NM_198252.3(GSN):c.120G>A (p.Thr40=)

Gene: GSN (gelsolin; plus strand). Cytogenetic location: 9q33.2.
Variant type: single nucleotide variant.
Coding change: c.120G>A on transcript NM_198252.3 (MANE Select); coding-DNA position 120, G replaced by A.
Protein change: p.Thr40=; no amino-acid change (threonine 40 retained).
Molecular consequence: synonymous variant. On other transcripts: intron variant (1).
Genome position (GRCh38, 1-based): chr9:121,302,091, G>A. VCF-style: chr9-121302091-G-A. GRCh37 (hg19) VCF-style: chr9-124064369-G-A.
Other names: c.273G>A (NM_000177.4); c.273G>A, p.Thr91= (NM_000177.5); c.120G>A, p.Thr40= (NM_001127662.2, NM_001127664.2, NM_001127665.2 and 10 more transcripts); c.228G>A, p.Thr76= (NM_001127663.2); c.153G>A, p.Thr51= (NM_001127666.2, NM_001127667.2, NM_001353063.2 and 13 more transcripts); c.171G>A, p.Thr57= (NM_001258029.2); c.144G>A, p.Thr48= (NM_001258030.2); c.192G>A, p.Thr64= (NM_001353076.2); and 1 more.
Identifiers: ClinVar variation 3021056 (VCV003021056.4), dbSNP rs771399515, ClinGen allele CA5220767.